The following is an entry in ClinVar:

NM_001166108.2(PALLD):c.2635T>G (p.Cys879Gly)

Genes: CBR4 (carbonyl reductase 4; minus strand), PALLD (palladin, cytoskeletal associated protein; plus strand). Cytogenetic location: 4q32.3.
Variant type: single nucleotide variant.
Coding change: c.2635T>G on transcript NM_001166108.2 (MANE Select); coding-DNA position 2635, T replaced by G.
Protein change: p.Cys879Gly; replaces cysteine 879 with glycine.
Molecular consequence: missense variant.
Genome position (GRCh38, 1-based): chr4:168,913,939, T>G. VCF-style: chr4-168913939-T-G. GRCh37 (hg19) VCF-style: chr4-169835090-T-G.
Other names: c.1438T>G, p.Cys480Gly (NM_001166109.2); c.1123T>G, p.Cys375Gly (NM_001166110.2); c.463T>G, p.Cys155Gly (NM_001367567.1, NM_001367569.1); c.514T>G, p.Cys172Gly (NM_001367568.1, NM_001367570.1); c.2584T>G, p.Cys862Gly (NM_016081.4); short protein forms C375G, C862G, C172G, C480G, C879G, C155G.
Identifiers: ClinVar variation 476376 (VCV000476376.10), dbSNP rs368472947, ClinGen allele CA3135921.

ClinVar aggregate classification (germline): Uncertain significance. Review status: criteria provided, multiple submitters, no conflicts (2 of 4 stars). 2 submissions from 2 submitters: Uncertain significance (2). Last evaluated 2025-08-26.

Conditions:
Pancreatic adenocarcinoma. Identifiers: MedGen C0281361, MONDO:0006047, HP:0006725.

Allele frequency attached by ClinVar (database versions not stated): TOPMed 0.00003; gnomAD 0.00006.
gnomAD v4.1: 17 of 1,610,612 alleles (0.0011%); highest among the groups gnomAD compares: East Asian, 0.011%; no homozygotes.

Submissions (2):

Labcorp Genetics (formerly Invitae), Labcorp
Classification: Uncertain significance for Pancreatic adenocarcinoma. Last evaluated: 2025-08-26. Review status: criteria provided, single submitter. Criteria: Invitae Variant Classification Sherloc (09022015). Collection method: clinical testing. Allele origin: germline.
Comment: This sequence change replaces cysteine, which is neutral and slightly polar, with glycine, which is neutral and non-polar, at codon 375 of the PALLD protein (p.Cys375Gly). This variant is present in population databases (rs368472947, gnomAD 0.06%), and has an allele count higher than expected for a pathogenic variant. This variant has not been reported in the literature in individuals affected with PALLD-related conditions. ClinVar contains an entry for this variant (Variation ID: 476376). An algorithm developed to predict the effect of missense changes on protein structure and function (PolyPhen-2) suggests that this variant is likely to be tolerated. In summary, the available evidence is currently insufficient to determine the role of this variant in disease. Therefore, it has been classified as a Variant of Uncertain Significance.

Ambry Genetics
Classification: Uncertain significance. Last evaluated: 2025-01-03. Review status: criteria provided, single submitter. Criteria: Ambry Variant Classification Scheme 2023. Collection method: clinical testing. Allele origin: germline.
Comment: The p.C375G variant (also known as c.1123T>G), located in coding exon 6 of the PALLD gene, results from a T to G substitution at nucleotide position 1123. The cysteine at codon 375 is replaced by glycine, an amino acid with highly dissimilar properties. This amino acid position is highly conserved in available vertebrate species. In addition, this alteration is predicted to be deleterious by in silico analysis. The evidence for this gene-disease relationship is limited; therefore, the clinical significance of this alteration is unclear.